The following is an entry in ClinVar:

ClinVar aggregate classification (germline): Uncertain significance (1 of 4 stars; one submission).

Submission:

Labcorp Genetics (formerly Invitae), Labcorp
Classification: Uncertain significance. Last evaluated: 2023-10-03. Review status: criteria provided, single submitter. Criteria: Invitae Variant Classification Sherloc (09022015). Collection method: clinical testing. Allele origin: germline.
Comment: This sequence change replaces leucine, which is neutral and non-polar, with isoleucine, which is neutral and non-polar, at codon 149 of the GHSR protein (p.Leu149Ile). This variant is not present in population databases (gnomAD no frequency). This variant has not been reported in the literature in individuals affected with GHSR-related conditions. ClinVar contains an entry for this variant (Variation ID: 1464940). Advanced modeling of protein sequence and biophysical properties (such as structural, functional, and spatial information, amino acid conservation, physicochemical variation, residue mobility, and thermodynamic stability) performed at Invitae indicates that this missense variant is not expected to disrupt GHSR protein function. In summary, the available evidence is currently insufficient to determine the role of this variant in disease. Therefore, it has been classified as a Variant of Uncertain Significance.

NM_198407.2(GHSR):c.445C>A (p.Leu149Ile)

Gene: GHSR (growth hormone secretagogue receptor; minus strand). Cytogenetic location: 3q26.31.
Variant type: single nucleotide variant.
Coding change: c.445C>A on transcript NM_198407.2 (MANE Select); coding-DNA position 445, C replaced by A.
Protein change: p.Leu149Ile; replaces leucine 149 with isoleucine.
Molecular consequence: missense variant.
Genome position (GRCh38, 1-based): chr3:172,447,969, G>T on the plus strand (C>A on the coding strand, the complement: GHSR is on the minus strand). VCF-style: chr3-172447969-G-T. GRCh37 (hg19) VCF-style: chr3-172165759-G-T.
Other names: c.445C>A, p.Leu149Ile (NM_004122.2); short protein forms L149I.
Identifiers: ClinVar variation 1464940 (VCV001464940.8), dbSNP rs2108426385, ClinGen allele CA355514464.